The following is an entry in ClinVar:

ClinVar aggregate classification (germline): Pathogenic/Likely pathogenic. Review status: criteria provided, multiple submitters, no conflicts (2 of 4 stars). 3 submissions from 3 submitters: Pathogenic (2); Likely pathogenic (1). Last evaluated 2025-09-29.

Conditions:
Citrullinemia, type II, adult-onset (CDAA). Also called: CITRIN DEFICIENCY, ADOLESCENT OR ADULT ONSET. Identifiers: Orphanet 247585, MedGen CN295299, MONDO:0011326, OMIM 603471.
Citrullinemia. Identifiers: Orphanet 187, MedGen C0175683, MONDO:0015991.
Citrin deficiency. Identifiers: Orphanet 247582, MedGen C1997910, MONDO:0016602.

Submissions (3):

Natera, Inc.
Classification: Pathogenic for Citrullinemia. Last evaluated: 2025-09-29. Review status: criteria provided, single submitter. Criteria: Natera Variant Classification Schema (03/2026). Collection method: clinical testing. Allele origin: germline.
Comment: The c.848+1del variant in SLC25A13 is a canonical splice donor site variant predicted to affect pre-mRNA splicing, which may result in an abnormal transcript and altered protein product. This variant is expected to result in nonsense mediated decay, truncation, or a dysfunctional protein product. This variant is rare in the general population with a frequency below the threshold expected for the associated phenotype(s). This variant has been observed in one or more individuals affected with the associated recessive disease, as either homozygous or compound heterozygous with a second variant (PMID: 27405544). Another variant at this same site results in an alteration predicted to cause a similar molecular effect has been observed in individual(s) with the associated phenotype. Given the available evidence, this variant is classified as Pathogenic.

Labcorp Genetics (formerly Invitae), Labcorp
Classification: Pathogenic for Citrin deficiency. Last evaluated: 2023-06-14. Review status: criteria provided, single submitter. Criteria: Invitae Variant Classification Sherloc (09022015). Collection method: clinical testing. Allele origin: germline.
Comment: This sequence change creates a premature translational stop signal (p.Gly283Aspfs*3) in the SLC25A13 gene. It is expected to result in an absent or disrupted protein product. Loss-of-function variants in SLC25A13 are known to be pathogenic (PMID: 10369257, 14680984, 27405544). This variant is present in population databases (rs758135569, gnomAD 0.01%). This premature translational stop signal has been observed in individual(s) with citrin deficiency (PMID: 27405544). In at least one individual the data is consistent with being in trans (on the opposite chromosome) from a pathogenic variant. This variant is also known as c.845_c.848+1delG; c.848+1del. Algorithms developed to predict the effect of sequence changes on RNA splicing suggest that this variant may disrupt the consensus splice site. For these reasons, this variant has been classified as Pathogenic.

Baylor Genetics
Classification: Likely pathogenic for Citrullinemia, type II, adult-onset. Last evaluated: 2022-10-19. Review status: criteria provided, single submitter. Criteria: ACMG Guidelines, 2015. Collection method: clinical testing. Allele origin: unknown.

Literature cited by the submitters: PubMed 27405544 (cited by Natera, Inc. and Labcorp Genetics (formerly Invitae), Labcorp); PubMed 10369257 (cited by Labcorp Genetics (formerly Invitae), Labcorp); PubMed 14680984 (cited by Labcorp Genetics (formerly Invitae), Labcorp).

NM_014251.3(SLC25A13):c.848+1del

Gene: SLC25A13 (solute carrier family 25 member 13; minus strand). Cytogenetic location: 7q21.3.
Variant type: Deletion.
Coding change: c.848+1del on transcript NM_014251.3 (MANE Select); the canonical splice donor site of the intron after coding-DNA position 848, one base deleted (G; older notation c.848+1delG).
Molecular consequence: splice donor variant.
Genome position (GRCh38, 1-based): chr7:96,189,580, C deleted on the plus strand (G on the coding strand, the reverse complement: SLC25A13 is on the minus strand); the first of 5 consecutive C bases (chr7:96,189,580-96,189,584); deleting any one gives the same sequence. VCF-style (leftmost placement, unchanged base first): chr7-96189579-AC-A. GRCh37 (hg19) VCF-style: chr7-95818891-AC-A.
Other names: c.848+1del (NM_001160210.2, NM_014251.2); c.848del (NM_014251.3).
Identifiers: ClinVar variation 2678835 (VCV002678835.5), dbSNP rs758135569, ClinGen allele CA4353147.
Genomic context (GRCh38, chr7:96,189,579, plus strand): 5'-CCTCCTCCTAACCTCCTTTTATTAAGCTAATTCCAAAAAAAAAAAAAAAAAAGCCAACTT[AC>A]CCCCTTGGCTCATATAAATCTGCTAACTGAAACAAGATGTCAACTTCCATGGGTGTAACC-3'